The following is an entry in ClinVar:

NM_006231.4(POLE):c.1106+3G>A

Gene: POLE (DNA polymerase epsilon, catalytic subunit; minus strand). Cytogenetic location: 12q24.33.
Variant type: single nucleotide variant.
Coding change: c.1106+3G>A on transcript NM_006231.4 (MANE Select); 3 bases into the intron after coding-DNA position 1106, G replaced by A.
Molecular consequence: intron variant.
Genome position (GRCh38, 1-based): chr12:132,675,732, C>T on the plus strand (G>A on the coding strand, the complement: POLE is on the minus strand). VCF-style: chr12-132675732-C-T. GRCh37 (hg19) VCF-style: chr12-133252318-C-T.
Other names: c.1106+3G>A (NM_006231.2).
Identifiers: ClinVar variation 3686840 (VCV003686840.3).
Genomic context (GRCh38, chr12:132,675,732, plus strand): 5'-CACCACGCAACGCCCTCCCTCTCAAATGCTGCCCAGTTACTCATAGAGAAGACACAGACT[C>T]ACCAGTCAAAAAAGTCCCCGTTGTAGGTGACCATGATGGTGGGTTTGGTCTCCTGGACGT-3'

ClinVar aggregate classification (germline): Conflicting classifications of pathogenicity. Review status: criteria provided, conflicting classifications (1 of 4 stars). 2 submissions from 2 submitters: Uncertain significance (1); Likely benign (1). Last evaluated 2025-09-28.

Conditions:
Hereditary cancer-predisposing syndrome. Also called: Tumor predisposition; Neoplastic Syndromes, Hereditary; Hereditary Cancer Syndrome; Hereditary neoplastic syndrome. Identifiers: Orphanet 140162, MedGen C0027672, MeSH D009386, MONDO:0015356.

Submissions (2):

Labcorp Genetics (formerly Invitae), Labcorp
Classification: Likely benign. Last evaluated: 2025-09-28. Review status: criteria provided, single submitter. Criteria: Invitae Variant Classification Sherloc (09022015). Collection method: clinical testing. Allele origin: germline.

Ambry Genetics
Classification: Uncertain significance for Hereditary cancer-predisposing syndrome. Last evaluated: 2025-03-28. Review status: criteria provided, single submitter. Criteria: Ambry Variant Classification Scheme 2023. Collection method: clinical testing. Allele origin: germline.
Comment: The c.1106+3G>A intronic variant results from a G to A substitution 3 nucleotides after coding exon 11 in the POLE gene. This nucleotide position is not well conserved in available vertebrate species. In silico splice site analysis predicts that this alteration will not have any significant effect on splicing. Based on the available evidence, the clinical significance of this variant remains unclear.